The following is an entry in ClinVar:

NM_001375834.1(WIPF1):c.211G>A (p.Gly71Ser)

Genes: WIPF1 (WAS/WASL interacting protein family member 1; minus strand), WIPF1-AS1 (WIPF1 and CHRNA1 antisense RNA 1; plus strand). Cytogenetic location: 2q31.1.
Variant type: single nucleotide variant.
Coding change: c.211G>A on transcript NM_001375834.1 (MANE Select); coding-DNA position 211, G replaced by A.
Protein change: p.Gly71Ser; replaces glycine 71 with serine.
Molecular consequence: missense variant. On other transcripts: intron variant (1).
Genome position (GRCh38, 1-based): chr2:174,575,351, C>T on the plus strand (G>A on the coding strand, the complement: WIPF1 is on the minus strand). VCF-style: chr2-174575351-C-T. GRCh37 (hg19) VCF-style: chr2-175440079-C-T.
Other names: c.211G>A, p.Gly71Ser (NM_001077269.1, NM_001375832.1, NM_001375833.1 and 5 more transcripts); c.182-3106G>A (NM_001375839.1); short protein forms G71S.
Identifiers: ClinVar variation 1353120 (VCV001353120.4), dbSNP rs140541247, ClinGen allele CA1974199.

ClinVar aggregate classification (germline): Uncertain significance. Review status: criteria provided, multiple submitters, no conflicts (2 of 4 stars). 2 submissions from 2 submitters: Uncertain significance (2). Last evaluated 2025-05-19.

Conditions:
Inborn genetic diseases. Identifiers: MedGen C0950123, MeSH D030342.
Wiskott-Aldrich syndrome 2 (WAS2). Also called: WIPF1 DEFICIENCY. Identifiers: Orphanet 906, MedGen C3281001, MONDO:0013779, OMIM 614493.

Allele frequency attached by ClinVar (database versions not stated): ExAC 0.00001; gnomAD exomes 0.00003 and 0.00001; TOPMed 0.00003; gnomAD 0.00004 and 0.00005; ESP Exome Variant Server 0.00008.

Submissions (2):

Ambry Genetics
Classification: Uncertain significance for Inborn genetic diseases. Last evaluated: 2025-05-19. Review status: criteria provided, single submitter. Criteria: Ambry Variant Classification Scheme 2023. Collection method: clinical testing. Allele origin: germline.

Labcorp Genetics (formerly Invitae), Labcorp
Classification: Uncertain significance for Wiskott-Aldrich syndrome 2. Last evaluated: 2022-08-22. Review status: criteria provided, single submitter. Criteria: Invitae Variant Classification Sherloc (09022015). Collection method: clinical testing. Allele origin: germline.
Comment: This sequence change replaces glycine, which is neutral and non-polar, with serine, which is neutral and polar, at codon 71 of the WIPF1 protein (p.Gly71Ser). This variant is present in population databases (rs140541247, gnomAD 0.008%). This variant has not been reported in the literature in individuals affected with WIPF1-related conditions. ClinVar contains an entry for this variant (Variation ID: 1353120). Algorithms developed to predict the effect of missense changes on protein structure and function output the following: SIFT: "Not Available"; PolyPhen-2: "Benign"; Align-GVGD: "Not Available". The serine amino acid residue is found in multiple mammalian species, which suggests that this missense change does not adversely affect protein function. In summary, the available evidence is currently insufficient to determine the role of this variant in disease. Therefore, it has been classified as a Variant of Uncertain Significance.